The following is an entry in ClinVar:

NM_000059.4(BRCA2):c.4780_4787del (p.Met1594fs)

Gene: BRCA2 (BRCA2 DNA repair associated; plus strand). Cytogenetic location: 13q13.1.
Variant type: Deletion.
Coding change: c.4780_4787del on transcript NM_000059.4 (MANE Select); coding-DNA positions 4780 to 4787, 8 bases deleted (ATGCAGAA; older notation c.4780_4787delATGCAGAA).
Protein change: p.Met1594fs; shifts the reading frame from methionine 1594.
Molecular consequence: frameshift variant. On other transcripts: non-coding transcript variant (1), intron variant (2).
Genome position (GRCh38, 1-based): chr13:32,339,135-32,339,142, ATGCAGAA deleted; deleting any 8 consecutive bases within chr13:32,339,131-32,339,142 gives the same sequence; the c. name uses the placement nearest the transcript's 3' end. VCF-style (leftmost placement, unchanged base first): chr13-32339130-AAGAAATGC-A. GRCh37 (hg19) VCF-style: chr13-32913267-AAGAAATGC-A.
Other names: c.4780_4787del, p.Met1594fs (NM_001406719.1, NM_001406720.1); c.1910-5423_1910-5416del (NM_001406721.1); c.425-5423_425-5416del (NM_001406722.1); short protein forms M1594fs.
Identifiers: ClinVar variation 3075812 (VCV003075812.1), dbSNP rs2548529314, ClinGen allele CA2825002149.

ClinVar aggregate classification (germline): Likely pathogenic (1 of 4 stars; one submission).

Conditions:
Hereditary breast ovarian cancer syndrome. Also called: Hereditary breast and ovarian cancer syndrome; Hereditary breast and ovarian cancer; Hereditary breast and ovarian cancer syndrome (HBOC); Breast and ovarian cancer; Hereditary breast and/or ovarian cancer syndrome; BRCA1- and BRCA2-Associated Hereditary Breast and Ovarian Cancer. Identifiers: Orphanet 145, MedGen C0677776, MeSH D061325, MONDO:0003582. Disease mechanism: loss of function.

Submission:

Laboratory for Molecular Medicine, Mass General Brigham Personalized Medicine
Classification: Likely pathogenic for Hereditary breast ovarian cancer syndrome. Last evaluated: 2020-06-19. Review status: criteria provided, single submitter. Criteria: ACMG Guidelines, 2015. Collection method: clinical testing. Allele origin: germline.
Comment: The p.Met1594PhefsX4 variant in BRCA2 has not been identified in individuals with hereditary breast and/or ovarian cancer (HBOC)and was absent from large population studies. This variant is predicted to cause a frameshift, which alters the protein’s amino acid sequence beginning at position 1594 and leads to a premature termination codon 4 amino acids downstream. This alteration is then predicted to lead to a truncated or absent protein. Loss of function of the BRCA2 gene is an established disease mechanism in autosomal dominant HBOC. In summary, although additional studies are required to fully establish its clinical significance, this variant meets criteria to be classified as likely pathogenic for autosomal dominant hereditary breast and ovarian cancer. ACMG/AMP codes applied: PVS1, PM2.